The following is an entry in ClinVar:

ClinVar aggregate classification (germline): Uncertain significance. Review status: criteria provided, multiple submitters, no conflicts (2 of 4 stars). 2 submissions from 2 submitters: Uncertain significance (2). Last evaluated 2022-05-25.

Conditions:
Cardiovascular phenotype. Identifiers: MedGen CN230736.
Dilated cardiomyopathy 1DD (CMD1DD). Identifiers: Orphanet 154, MedGen C2750995, MONDO:0013168, OMIM 613172.

gnomAD v4.1: 3 of 1,551,754 alleles (0.00019%); highest among the groups gnomAD compares: Non-Finnish European, 0.00026%; no homozygotes.

Submissions (2):

Ambry Genetics
Classification: Uncertain significance for Cardiovascular phenotype. Last evaluated: 2022-05-25. Review status: criteria provided, single submitter. Criteria: Ambry Variant Classification Scheme 2023. Collection method: clinical testing. Allele origin: germline.

Labcorp Genetics (formerly Invitae), Labcorp
Classification: Uncertain significance for Dilated cardiomyopathy 1DD. Last evaluated: 2021-04-13. Review status: criteria provided, single submitter. Criteria: Invitae Variant Classification Sherloc (09022015). Collection method: clinical testing. Allele origin: germline.
Comment: In summary, the available evidence is currently insufficient to determine the role of this variant in disease. Therefore, it has been classified as a Variant of Uncertain Significance. Algorithms developed to predict the effect of missense changes on protein structure and function are either unavailable or do not agree on the potential impact of this missense change (SIFT: "Deleterious"; PolyPhen-2: "Probably Damaging"; Align-GVGD: "Class C0"). This variant has not been reported in the literature in individuals with RBM20-related conditions. This variant is not present in population databases (ExAC no frequency). This sequence change replaces glycine with cysteine at codon 404 of the RBM20 protein (p.Gly404Cys). The glycine residue is weakly conserved and there is a large physicochemical difference between glycine and cysteine.

NM_001134363.3(RBM20):c.1210G>T (p.Gly404Cys)

Gene: RBM20 (RNA binding motif protein 20; plus strand). Cytogenetic location: 10q25.2.
Variant type: single nucleotide variant.
Coding change: c.1210G>T on transcript NM_001134363.3 (MANE Select); coding-DNA position 1210, G replaced by T.
Protein change: p.Gly404Cys; replaces glycine 404 with cysteine.
Molecular consequence: missense variant.
Genome position (GRCh38, 1-based): chr10:110,781,819, G>T. VCF-style: chr10-110781819-G-T. GRCh37 (hg19) VCF-style: chr10-112541577-G-T.
Other names: c.1210G>T (NM_001134363.1); short protein forms G404C.
Identifiers: ClinVar variation 1355363 (VCV001355363.9), dbSNP rs530925237, ClinGen allele CA378385994.
Genomic context (GRCh38, chr10:110,781,819, plus strand): 5'-GAGGACCAGGCGTTGCTATCTGTGCGGCCCCTGCAGGCTCATGAGCTGAACGACTTTCAC[G>T]GTGTGGCCCCCCTCCACTTGCCGCATATCTGTAGCATCTGTGACAAGAAGGTGTTTGATT-3'
Protein context (NP_001127835.2, residues 394-414): LQAHELNDFH[Gly404Cys]VAPLHLPHIC